The following is an entry in ClinVar:

ClinVar aggregate classification (germline): Likely pathogenic (1 of 4 stars; one submission).

Conditions:
Early onset severe obesity. Identifiers: MedGen C4013980.

gnomAD v4.1: 4 of 1,596,008 alleles (0.00025%); highest among the groups gnomAD compares: Non-Finnish European, 0.00034%; no homozygotes.

Submission:

Cambridge Genomics Laboratory, East Genomic Laboratory Hub, NHS Genomic Medicine Service
Classification: Likely pathogenic for Severe early-onset obesity. Last evaluated: 2024-07-29. Review status: criteria provided, single submitter. Criteria: ACGS Best Practice Guidelines for Variant Classification in Rare Disease 2020. Collection method: clinical testing. Allele origin: germline. Affected: yes.
Comment: The p.Ser561Arg variant is novel (not in any individuals) in gnomAD All. The p.Ser561Arg variant is novel (not in any individuals) in 1kG All. (PM2 - Moderate) | The gene MYT1L has a low rate of benign missense variation as indicated by a high missense variants Z-Score of 5.52. The gene MYT1L contains 25 pathogenic missense variants, indicating that missense variants are a common mechanism of disease in this gene. (PP2 - Supporting) | 7 variants within 6 amino acid positions of the variant p.Ser561Arg have been shown to be pathogenic, while none have been shown to be benign. (PM1 - Moderate) | The patient's phenotype or family history is highly specific for a disease with a single genetic etiology. (PP4 - Supporting)

NM_001303052.2(MYT1L):c.1687A>C (p.Ser563Arg)

Gene: MYT1L (myelin transcription factor 1 like; minus strand). Cytogenetic location: 2p25.3.
Variant type: single nucleotide variant.
Coding change: c.1687A>C on transcript NM_001303052.2 (MANE Select); coding-DNA position 1687, A replaced by C.
Protein change: p.Ser563Arg; replaces serine 563 with arginine.
Molecular consequence: missense variant.
Genome position (GRCh38, 1-based): chr2:1,912,042, T>G on the plus strand (A>C on the coding strand, the complement: MYT1L is on the minus strand). VCF-style: chr2-1912042-T-G. GRCh37 (hg19) VCF-style: chr2-1915814-T-G.
Other names: c.1687A>C, p.Ser563Arg (NM_001329844.2, NM_001329845.1, NM_001329851.3); c.1681A>C, p.Ser561Arg (NM_001329846.3, NM_001329847.2, NM_001329848.1 and 3 more transcripts); short protein forms S561R, S563R.
Identifiers: ClinVar variation 4812834 (VCV004812834.1).
Genomic context (GRCh38, chr2:1,912,042, plus strand): 5'-GTGCTCCCTCCCACACCAGTGACCCACGCGTGGCTTACCTTCGGTGGGAGTTCCTGTTGC[T>G]GTTGACATGCCCGCGCCCCGTGCAGCCCGGAGTGGGGCACTTGAGGACACTTTCATGCAT-3'
Protein context (NP_001289981.1, residues 553-573): PGCTGRGHVN[Ser563Arg]NRNSHRSLSG